The following is an entry in ClinVar:

NM_000204.5(CFI):c.1016G>A (p.Arg339Gln)

Gene: CFI (complement factor I; minus strand). Cytogenetic location: 4q25.
Variant type: single nucleotide variant.
Coding change: c.1016G>A on transcript NM_000204.5 (MANE Select); coding-DNA position 1016, G replaced by A.
Protein change: p.Arg339Gln; replaces arginine 339 with glutamine.
Molecular consequence: missense variant. On other transcripts: non-coding transcript variant (3).
Genome position (GRCh38, 1-based): chr4:109,749,527, C>T on the plus strand (G>A on the coding strand, the complement: CFI is on the minus strand). VCF-style: chr4-109749527-C-T. GRCh37 (hg19) VCF-style: chr4-110670683-C-T.
Other names: p.Arg339Gln; c.1040G>A, p.Arg347Gln (NM_001318057.2, NM_001375278.1); c.995G>A, p.Arg332Gln (NM_001331035.2, NM_001375280.1, NM_001375282.1); c.1016G>A, p.Arg339Gln (NM_001375279.1, NM_001375281.1); c.959G>A, p.Arg320Gln (NM_001375283.1); c.407G>A, p.Arg136Gln (NM_001375284.1); short protein forms R339Q, R347Q, R136Q, R320Q, R332Q.
Identifiers: ClinVar variation 1399319 (VCV001399319.15), dbSNP rs773085612, ClinGen allele CA3042049.

ClinVar aggregate classification (germline): Conflicting classifications of pathogenicity. Review status: criteria provided, conflicting classifications (1 of 4 stars). 6 submissions from 6 submitters: Likely pathogenic, low penetrance (1); Uncertain significance (5). Last evaluated 2025-12-17.

Conditions:
Atypical hemolytic-uremic syndrome with I factor anomaly. Also called: HEMOLYTIC UREMIC SYNDROME, ATYPICAL, SUSCEPTIBILITY TO, 3; AHUS, SUSCEPTIBILITY TO, 3. Identifiers: Orphanet 2134, MedGen C2752039, MONDO:0013041, OMIM 612923.
Factor I deficiency (CFID). Also called: Complement factor I deficiency. Identifiers: Orphanet 200418, MedGen C3463916, MONDO:0012594, OMIM 610984.
Age related macular degeneration 13. Identifiers: MedGen C3809523, MONDO:0014189, OMIM 615439.
CFI-related disorder. Also called: CFI-related condition; CFI-related disorders. Identifiers: MedGen CN239325.

Allele frequency attached by ClinVar (database versions not stated): gnomAD exomes below 0.00001; gnomAD 0.00001; ExAC 0.00002.
gnomAD v4.1: 18 of 1,613,520 alleles (0.0011%); highest among the groups gnomAD compares: Non-Finnish European, 0.0014%; no homozygotes.

Submissions (6):

PreventionGenetics, part of Exact Sciences
Classification: Uncertain significance for CFI-related condition. Last evaluated: 2025-12-17. Review status: criteria provided, single submitter. Criteria: ACMG Guidelines, 2015. Collection method: clinical testing. Allele origin: germline.
Comment: The CFI c.1016G>A variant is predicted to result in the amino acid substitution p.Arg339Gln. This variant has been reported in an individual with atypical hemolytic uremic syndrome (Table S3, CFI tab, Geerlings et al. 2018. PubMed ID: 29888403) and in at least one individual with advanced age-related macular degeneration (Java et al. 2020. PubMed ID: 32908800). Functional studies have shown conflicting results with one study suggesting that this variant may not impact protein function as compared to wildtype protein and while another study showed an impact on function and classified the variant as a type 2 variant (Table S1 and S4, de Jong et al. 2020. PubMed ID: 32510551; Java et al. 2020. PubMed ID: 32908800). This variant is reported in 0.00088% of alleles in individuals of European (Non-Finnish) descent in gnomAD and has conflicting interpretations in ClinVar, ranging from uncertain to likely pathogenic (Variation ID: 1399319). At this time, the clinical significance of this variant is uncertain due to the absence of conclusive functional and genetic evidence.

Genomenon, Inc
Classification: Likely pathogenic, low penetrance for CFI-related disorder. Last evaluated: 2025-09-26. Review status: criteria provided, single submitter. Criteria: Genomenon Sequence Variant Interpretation Standards - Updated. Collection method: curation. Allele origin: germline. Affected: no.
Comment: CFI p.Arg339Gln (c.1016G>A) is a missense variant that changes the amino acid at residue 339 from Arginine to Glutamine. To our knowledge, this variant has not been reported in patients affected with CFI-related disorders in the published literature. At least one functional study has demonstrated a substantial alteration in protein function relative to the wild-type (PMID:35069568). It is absent or not present at a significant frequency in gnomAD. In silico models agree that this variant is possibly or probably damaging. In conclusion, we classify CFI p.Arg339Gln (c.1016G>A) as a likely pathogenic, low penetrance variant.

Labcorp Genetics (formerly Invitae), Labcorp
Classification: Uncertain significance. Last evaluated: 2024-07-24. Review status: criteria provided, single submitter. Criteria: Invitae Variant Classification Sherloc (09022015). Collection method: clinical testing. Allele origin: germline.
Comment: This sequence change replaces arginine, which is basic and polar, with glutamine, which is neutral and polar, at codon 339 of the CFI protein (p.Arg339Gln). This variant is present in population databases (rs773085612, gnomAD 0.0009%). This missense change has been observed in individual(s) with macular degeneration (PMID: 32908800, 35069568). ClinVar contains an entry for this variant (Variation ID: 1399319). Advanced modeling of protein sequence and biophysical properties (such as structural, functional, and spatial information, amino acid conservation, physicochemical variation, residue mobility, and thermodynamic stability) performed at Invitae indicates that this missense variant is expected to disrupt CFI protein function with a positive predictive value of 80%. Experimental studies have shown that this missense change affects CFI function (PMID: 32908800, 35069568). Algorithms developed to predict the effect of sequence changes on RNA splicing suggest that this variant may disrupt the consensus splice site. In summary, the available evidence is currently insufficient to determine the role of this variant in disease. Therefore, it has been classified as a Variant of Uncertain Significance.

Fulgent Genetics
Classification: Uncertain significance for Factor I deficiency; Atypical hemolytic-uremic syndrome with I factor anomaly; Age related macular degeneration 13. Last evaluated: 2024-05-30. Review status: criteria provided, single submitter. Criteria: ACMG Guidelines, 2015. Collection method: clinical testing. Allele origin: germline.

Women's Health and Genetics/Laboratory Corporation of America, LabCorp
Classification: Uncertain significance. Last evaluated: 2024-03-04. Review status: criteria provided, single submitter. Criteria: LabCorp Variant Classification Summary - May 2015. Collection method: clinical testing. Allele origin: germline.
Comment: Variant summary: CFI c.1016G>A (p.Arg339Gln) results in a conservative amino acid change located in the Serine proteases, trypsin domain (IPR001254) of the encoded protein sequence. Four of five in-silico tools predict a damaging effect of the variant on protein function. The variant allele was found at a frequency of 4e-06 in 251348 control chromosomes. c.1016G>A has been reported in the literature in individuals affected with age related Macular Degeneration (Java_2020, de Jong_2021). These reports do not provide unequivocal conclusions about association of the variant with Complement Factor I Deficiency. At least one publication reports experimental evidence evaluating an impact on protein function indicating that this variant affects function (Java_2020, de Jong_2021). The following publications have been ascertained in the context of this evaluation (PMID: 32908800, 35069568). ClinVar contains an entry for this variant (Variation ID: 1399319). Based on the evidence outlined above, the variant was classified as VUS-possibly pathogenic.

Mayo Clinic Laboratories, Mayo Clinic
Classification: Uncertain significance. Last evaluated: 2021-10-07. Review status: criteria provided, single submitter. Criteria: ACMG Guidelines, 2015. Collection method: clinical testing. Allele origin: germline.

Literature cited by the submitters: PubMed 35069568 (cited by 3 submitters); PubMed 32908800 (cited by Labcorp Genetics (formerly Invitae), Labcorp and Women's Health and Genetics/Laboratory Corporation of America, LabCorp).